The following is an entry in ClinVar:

NM_000245.4(MET):c.2696A>T (p.Asp899Val)

Gene: MET (MET proto-oncogene, receptor tyrosine kinase; plus strand). Cytogenetic location: 7q31.2.
Variant type: single nucleotide variant.
Coding change: c.2696A>T on transcript NM_000245.4 (MANE Select); coding-DNA position 2696, A replaced by T.
Protein change: p.Asp899Val; replaces aspartic acid 899 with valine.
Molecular consequence: missense variant.
Genome position (GRCh38, 1-based): chr7:116,769,757, A>T. VCF-style: chr7-116769757-A-T. GRCh37 (hg19) VCF-style: chr7-116409811-A-T.
Other names: c.2750A>T, p.Asp917Val (NM_001127500.3); c.2696A>T, p.Asp899Val (NM_001324401.3); c.1406A>T, p.Asp469Val (NM_001324402.2); short protein forms D899V, D917V, D469V.
Identifiers: ClinVar variation 1795559 (VCV001795559.2), dbSNP rs2116984150, ClinGen allele CA368985763.
Genomic context (GRCh38, chr7:116,769,757, plus strand): 5'-ATAAGAGCTGTGAGAATATACACTTACATTCTGAAGCCGTTTTATGCACGGTCCCCAATG[A>T]CCTGCTGAAATTGAACAGCGAGCTAAATATAGAGGTGGGATTCCTGCATTCCTCTCATGA-3'
Protein context (NP_000236.2, residues 889-909): SEAVLCTVPN[Asp899Val]LLKLNSELNI

ClinVar aggregate classification (germline): Uncertain significance (1 of 4 stars; one submission).

Conditions:
Hereditary cancer-predisposing syndrome. Also called: Tumor predisposition; Hereditary Cancer Syndrome; Neoplastic Syndromes, Hereditary; Hereditary neoplastic syndrome. Identifiers: Orphanet 140162, MedGen C0027672, MeSH D009386, MONDO:0015356.

Submission:

Ambry Genetics
Classification: Uncertain significance for Hereditary cancer-predisposing syndrome. Last evaluated: 2020-09-03. Review status: criteria provided, single submitter. Criteria: Ambry Variant Classification Scheme 2023. Collection method: clinical testing. Allele origin: germline.
Comment: The p.D917V variant (also known as c.2750A>T), located in coding exon 11 of the MET gene, results from an A to T substitution at nucleotide position 2750. The aspartic acid at codon 917 is replaced by valine, an amino acid with highly dissimilar properties. This amino acid position is well conserved in available vertebrate species. In addition, the in silico prediction for this alteration is inconclusive. Since supporting evidence is limited at this time, the clinical significance of this alteration remains unclear.